The following is an entry in ClinVar:

ClinVar aggregate classification (germline): Benign/Likely benign. Review status: criteria provided, multiple submitters, no conflicts (2 of 4 stars). 4 submissions from 4 submitters: Benign (1); Likely benign (3). Last evaluated 2025-06-09.

Conditions:
Hereditary cancer-predisposing syndrome. Also called: Tumor predisposition; Hereditary Cancer Syndrome; Hereditary neoplastic syndrome; Neoplastic Syndromes, Hereditary. Identifiers: Orphanet 140162, MedGen C0027672, MeSH D009386, MONDO:0015356.
Tuberous sclerosis syndrome (TSC). Also called: Tuberous Sclerosis Complex; Tuberous sclerosis. Identifiers: Orphanet 805, MedGen C0041341, MONDO:0001734.
Tuberous sclerosis 2 (TSC2). Identifiers: Orphanet 805, MedGen C1860707, MONDO:0013199, OMIM 613254.

Allele frequency attached by ClinVar (database versions not stated): gnomAD exomes below 0.00001; gnomAD 0.00001; TOPMed 0.00001.

Submissions (4):

Labcorp Genetics (formerly Invitae), Labcorp
Classification: Likely benign for Tuberous sclerosis 2. Last evaluated: 2025-06-09. Review status: criteria provided, single submitter. Criteria: Invitae Variant Classification Sherloc (09022015). Collection method: clinical testing. Allele origin: germline.

All of Us Research Program, National Institutes of Health
Classification: Likely benign for Tuberous sclerosis syndrome. Last evaluated: 2024-02-05. Review status: criteria provided, single submitter. Criteria: ACMG Guidelines, 2015. Collection method: clinical testing. Allele origin: germline. Inheritance: Autosomal dominant inheritance. Observed: 2 variant alleles, 2 heterozygotes.
Comment: This study involves interpretation of variants in research participants for the purpose of population health screening. Participant phenotype was not available at the time of variant classification. Additional details can be found in publication PMID: 35346344, PMCID: PMC8962531

Genome-Nilou Lab
Classification: Benign for Tuberous sclerosis 2. Last evaluated: 2021-11-07. Review status: criteria provided, single submitter. Criteria: ACMG Guidelines, 2015. Collection method: clinical testing. Allele origin: germline. Affected: no.

Ambry Genetics
Classification: Likely benign for Hereditary cancer-predisposing syndrome. Last evaluated: 2018-10-26. Review status: criteria provided, single submitter. Criteria: Ambry Variant Classification Scheme 2023. Collection method: clinical testing. Allele origin: germline.

NM_000548.5(TSC2):c.2079G>C (p.Leu693=)

Gene: TSC2 (TSC complex subunit 2; plus strand). Cytogenetic location: 16p13.3.
Variant type: single nucleotide variant.
Coding change: c.2079G>C on transcript NM_000548.5 (MANE Select); coding-DNA position 2079, G replaced by C.
Protein change: p.Leu693=; no amino-acid change (leucine 693 retained).
Molecular consequence: synonymous variant.
Genome position (GRCh38, 1-based): chr16:2,071,916, G>C. VCF-style: chr16-2071916-G-C. GRCh37 (hg19) VCF-style: chr16-2121917-G-C.
Other names: c.2079G>C, p.Leu693= (NM_001077183.3, NM_001114382.3, NM_001363528.2 and 3 more transcripts); c.1968G>C, p.Leu656= (NM_001318827.2); c.1932G>C, p.Leu644= (NM_001318829.2); c.1479G>C, p.Leu493= (NM_001318831.2); c.2112G>C, p.Leu704= (NM_001318832.2).
Identifiers: ClinVar variation 237980 (VCV000237980.19), dbSNP rs764932531, ClinGen allele CA10583303.